The following is an entry in ClinVar:

ClinVar aggregate classification (germline): Pathogenic (1 of 4 stars; one submission).

Submission:

Labcorp Genetics (formerly Invitae), Labcorp
Classification: Pathogenic. Last evaluated: 2024-03-09. Review status: criteria provided, single submitter. Criteria: Invitae Variant Classification Sherloc (09022015). Collection method: clinical testing. Allele origin: germline.
Comment: This variant results in the deletion of part of exon 1 (c.-519_27delins16) of the HBB gene. It is expected to result in an absent or disrupted protein product. Loss-of-function variants in HBB are known to be pathogenic (PMID: 23637309). This variant is not present in population databases (gnomAD no frequency). This variant has not been reported in the literature in individuals affected with HBB-related conditions. For these reasons, this variant has been classified as Pathogenic.

Literature cited by the submitters: PubMed 23637309.

NC_000011.10:g.5226995_5227540delinsTGAAAACTCTACCTCA

Genes: HBB (hemoglobin subunit beta; minus strand), LOC106099062 (HBB recombination region; plus strand), LOC107133510 (origin of replication at HBB; plus strand). Cytogenetic location: 11p15.4.
Variant type: Indel.
Genome position: GRCh38: chr11:5,226,995-5,227,540. GRCh37 (hg19): chr11:5,248,225-5,248,770.
Identifiers: ClinVar variation 3645258 (VCV003645258.2).